The following is an entry in ClinVar:

ClinVar aggregate classification (germline): Pathogenic. Review status: criteria provided, multiple submitters, no conflicts (2 of 4 stars). 2 submissions from 2 submitters: Pathogenic (2). Last evaluated 2024-09-18.

Conditions:
Peroxisome biogenesis disorder. Identifiers: Orphanet 79189, MedGen C1832200, MONDO:0019234. Disease mechanism: loss of function.

Allele frequency attached by ClinVar (database versions not stated): TOPMed below 0.00001.

Submissions (2):

Myriad Genetics, Inc.
Classification: Pathogenic for Peroxisome biogenesis disorder. Last evaluated: 2024-09-18. Review status: criteria provided, single submitter. Criteria: Myriad Autosomal Dominant, Autosomal Recessive and X-Linked Classification Criteria (2023). Collection method: clinical testing. Allele origin: unknown.
Comment: NM_000287.3(PEX6):c.1263G>A(W421*) is expected to be pathogenic in the context of peroxisome biogenesis disorder type 4. This variant is predicted to lead to an abnormal or absent protein product due to the creation of a premature termination codon in PEX6, a gene where loss-of-function variants are known to be pathogenic. Please note: this variant was assessed in the context of healthy population screening.

Labcorp Genetics (formerly Invitae), Labcorp
Classification: Pathogenic for Peroxisome biogenesis disorder. Last evaluated: 2023-05-17. Review status: criteria provided, single submitter. Criteria: Invitae Variant Classification Sherloc (09022015). Collection method: clinical testing. Allele origin: germline.
Comment: This sequence change creates a premature translational stop signal (p.Trp421*) in the PEX6 gene. It is expected to result in an absent or disrupted protein product. Loss-of-function variants in PEX6 are known to be pathogenic (PMID: 8670792, 19877282, 21031596). This variant is not present in population databases (gnomAD no frequency). This variant has not been reported in the literature in individuals affected with PEX6-related conditions. For these reasons, this variant has been classified as Pathogenic.

Literature cited by the submitters: PubMed 8670792 (cited by Labcorp Genetics (formerly Invitae), Labcorp); PubMed 19877282 (cited by Labcorp Genetics (formerly Invitae), Labcorp); PubMed 21031596 (cited by Labcorp Genetics (formerly Invitae), Labcorp).

NM_000287.4(PEX6):c.1263G>A (p.Trp421Ter)

Gene: PEX6 (peroxisomal biogenesis factor 6; minus strand). Cytogenetic location: 6p21.1.
Variant type: single nucleotide variant.
Coding change: c.1263G>A on transcript NM_000287.4 (MANE Select); coding-DNA position 1263, G replaced by A.
Protein change: p.Trp421Ter; replaces tryptophan 421 with a stop codon.
Molecular consequence: nonsense. On other transcripts: non-coding transcript variant (1).
Genome position (GRCh38, 1-based): chr6:42,969,772, C>T on the plus strand (G>A on the coding strand, the complement: PEX6 is on the minus strand). VCF-style: chr6-42969772-C-T. GRCh37 (hg19) VCF-style: chr6-42937510-C-T.
Other names: c.999G>A, p.Trp333Ter (NM_001316313.2); short protein forms W421*, W333*.
Identifiers: ClinVar variation 2970897 (VCV002970897.4), dbSNP rs897158533, ClinGen allele CA138227708.